The following is an entry in ClinVar:

NC_000002.11:g.(179523983_179527692)_(179540723_179542347)del

Gene: TTN (titin; minus strand). Cytogenetic location: 2q31.2.
Variant type: Deletion.
Identifiers: ClinVar variation 3907571 (VCV003907571.1).

ClinVar aggregate classification (germline): Uncertain significance (1 of 4 stars; one submission).

Submission:

Women's Health and Genetics/Laboratory Corporation of America, LabCorp
Classification: Uncertain significance. Last evaluated: 2025-06-23. Review status: criteria provided, single submitter. Criteria: LabCorp Variant Classification Summary - May 2015. Collection method: clinical testing. Allele origin: germline.
Comment: Variant summary: The variant involves the deletion of exons 144-153 in the TTN gene. A presumed nomenclature of c.(30559+1_30560-1)_(31573+1_31574-1)del has been designated for the purposes of this classification. This Copy Number Variant (CNV) is predicted to result in an in-frame deletion within this gene, affecting the I-band region of the TTN protein. The variant was absent in 119846 control chromosomes in the gnomAD database (Structural Variants v4.1 dataset). To our knowledge, no occurrence of c.(30559+1_30560-1)_(31573+1_31574-1)del in individuals affected with Dilated Cardiomyopathy and no experimental evidence demonstrating its impact on protein function have been reported. No submitters have cited clinical-significance assessments for this variant to ClinVar. Based on the evidence outlined above, the variant was classified as uncertain significance.